The following is an entry in ClinVar:

NM_000291.4(PGK1):c.522C>T (p.Ser174=)

Gene: PGK1 (phosphoglycerate kinase 1; plus strand). Cytogenetic location: Xq21.1.
Variant type: single nucleotide variant.
Coding change: c.522C>T on transcript NM_000291.4 (MANE Select); coding-DNA position 522, C replaced by T.
Protein change: p.Ser174=; no amino-acid change (serine 174 retained).
Molecular consequence: synonymous variant.
Genome position (GRCh38, 1-based): chrX:78,118,051, C>T. VCF-style: chrX-78118051-C-T. GRCh37 (hg19) VCF-style: chrX-77373548-C-T.
Identifiers: ClinVar variation 1805130 (VCV001805130.4), dbSNP rs199563733, ClinGen allele CA10459727.

ClinVar aggregate classification (germline): Conflicting classifications of pathogenicity. Review status: criteria provided, conflicting classifications (1 of 4 stars). 2 submissions from 2 submitters: Uncertain significance (1); Benign (1). Last evaluated 2025-12-13.

Conditions:
Glycogen storage disease due to phosphoglycerate kinase 1 deficiency. Also called: PHOSPHOGLYCERATE KINASE 1 DEFICIENCY WITH LEVO-DOPA-RESPONSIVE PARKINSONISM; PGK1 DEFICIENCY. Identifiers: Orphanet 713, MedGen C1970848, MONDO:0010392, OMIM 300653.

Allele frequency attached by ClinVar (database versions not stated): gnomAD exomes 0.00008; TOPMed 0.00002; ExAC 0.00003.

Submissions (2):

Labcorp Genetics (formerly Invitae), Labcorp
Classification: Benign. Last evaluated: 2025-12-13. Review status: criteria provided, single submitter. Criteria: Invitae Variant Classification Sherloc (09022015). Collection method: clinical testing. Allele origin: germline.

Victorian Clinical Genetics Services, Murdoch Childrens Research Institute
Classification: Uncertain significance for Glycogen storage disease due to phosphoglycerate kinase 1 deficiency. Last evaluated: 2022-02-02. Review status: criteria provided, single submitter. Criteria: ACMG Guidelines, 2015. Collection method: clinical testing. Allele origin: germline. Inheritance: X-linked recessive inheritance.
Comment: Based on the classification scheme VCGS_Germline_v1.3.4, this variant is classified as VUS-3C. Following criteria are met: 0102 - Loss of function is a known mechanism of disease in this gene and is associated with phosphoglycerate kinase 1 deficiency (MIM#300653). (I) 0109 - This gene is associated with X-linked recessive disease. (I) 0212 - Non-canonical splice site variant without proven consequence on splicing (no functional evidence available). This variant affects the first base of exon 6 of 11. (SP) 0251 - This variant is heterozygous. (I) 0304 - Variant is present in gnomAD (v2) <0.01 for a recessive condition (4 heterozygotes, 0 homozygotes, 2 hemizygotes). (SP) 0506 - Abnormal splicing is not predicted and nucleotide is moderately conserved. (I) 0604 - Variant is not located in an established domain, motif, hotspot or informative constraint region. (I) 0807 - This variant has no previous evidence of pathogenicity. (I) 0905 - No published segregation evidence has been identified for this variant. (I) 1007 - No published functional evidence has been identified for this variant. (I) 0705 - No comparable non-canonical splice site variants have previous evidence for pathogenicity. (I) Legend: (SP) - Supporting pathogenic, (I) - Information, (SB) - Supporting benign